The following is an entry in ClinVar:

NM_000489.6(ATRX):c.1469G>T (p.Gly490Val)

Gene: ATRX (ATRX chromatin remodeler; minus strand). Cytogenetic location: Xq21.1.
Variant type: single nucleotide variant.
Coding change: c.1469G>T on transcript NM_000489.6 (MANE Select); coding-DNA position 1469, G replaced by T.
Protein change: p.Gly490Val; replaces glycine 490 with valine.
Molecular consequence: missense variant.
Genome position (GRCh38, 1-based): chrX:77,683,787, C>A on the plus strand (G>T on the coding strand, the complement: ATRX is on the minus strand). VCF-style: chrX-77683787-C-A. GRCh37 (hg19) VCF-style: chrX-76939279-C-A.
Other names: c.1355G>T, p.Gly452Val (NM_138270.5); short protein forms G490V, G452V.
Identifiers: ClinVar variation 2172187 (VCV002172187.1), dbSNP rs2148621788, ClinGen allele CA413717922.
Genomic context (GRCh38, chrX:77,683,787, plus strand): 5'-GAAGTGTTGGCAGGTTCATATTGAGGTTCTTCTTTTCTATCAGATTTCTTATGTTCACCA[C>A]CGGTACTTTTATTTGTTCTTTGTTCCTCTGTTGGAACATTCTGATGCATGTGCTCACTAT-3'
Protein context (NP_000480.3, residues 480-500): TEEQRTNKST[Gly490Val]GEHKKSDRKE

ClinVar aggregate classification (germline): Uncertain significance (1 of 4 stars; one submission).

Conditions:
Alpha thalassemia-X-linked intellectual disability syndrome (ATRX). Also called: ALPHA-THALASSEMIA/MENTAL RETARDATION SYNDROME, X-LINKED; ATR, NONDELETION TYPE; ATR-X syndrome; Alpha thalassemia mental retardation syndrome, nondeletion type, X-linked; XLMR hypotonic face syndrome; X-linked alpha-thalassemia-mental retardation syndrome. Identifiers: Orphanet 847, MedGen C1845055, MONDO:0010519, OMIM 301040.

Submission:

Labcorp Genetics (formerly Invitae), Labcorp
Classification: Uncertain significance for Alpha thalassemia-X-linked intellectual disability syndrome. Last evaluated: 2022-03-19. Review status: criteria provided, single submitter. Criteria: Invitae Variant Classification Sherloc (09022015). Collection method: clinical testing. Allele origin: germline.
Comment: This sequence change replaces glycine, which is neutral and non-polar, with valine, which is neutral and non-polar, at codon 490 of the ATRX protein (p.Gly490Val). This variant is not present in population databases (gnomAD no frequency). This variant has not been reported in the literature in individuals affected with ATRX-related conditions. Advanced modeling of protein sequence and biophysical properties (such as structural, functional, and spatial information, amino acid conservation, physicochemical variation, residue mobility, and thermodynamic stability) performed at Invitae indicates that this missense variant is not expected to disrupt ATRX protein function. In summary, the available evidence is currently insufficient to determine the role of this variant in disease. Therefore, it has been classified as a Variant of Uncertain Significance.